The following is an entry in ClinVar:

NM_001323289.2(CDKL5):c.978-2A>G

Gene: CDKL5 (cyclin dependent kinase like 5; plus strand). Cytogenetic location: Xp22.13.
Variant type: single nucleotide variant.
Coding change: c.978-2A>G on transcript NM_001323289.2 (MANE Select); the canonical splice acceptor site of the intron before coding-DNA position 978, A replaced by G.
Molecular consequence: splice acceptor variant.
Genome position (GRCh38, 1-based): chrX:18,603,900, A>G. VCF-style: chrX-18603900-A-G. GRCh37 (hg19) VCF-style: chrX-18622020-A-G.
Other names: c.978-2A>G (NM_003159.3, NM_001037343.2).
Identifiers: ClinVar variation 156095 (VCV000156095.4), dbSNP rs267608553, ClinGen allele CA199418.

ClinVar aggregate classification (germline): Likely pathogenic. Review status: criteria provided, single submitter (1 of 4 stars). 3 submissions from 2 submitters: Likely pathogenic (1). 2 of the submissions do not count toward it. Last evaluated 2024-09-11.

Conditions:
CDKL5 disorder. Identifiers: MedGen CN296942, MONDO:0100039.
Developmental and epileptic encephalopathy, 2 (DEE2). Also called: INFANTILE SPASM SYNDROME, X-LINKED 2; CDKL5 deficiency disorder. Identifiers: Orphanet 1934, Orphanet 3451, Orphanet 505652, MedGen C4750718, MONDO:0010396, OMIM 300672.

Submissions (3):

Centre for Population Genomics, CPG
Classification: Likely pathogenic for CDKL5 disorder. Last evaluated: 2024-09-11. Review status: criteria provided, single submitter. Criteria: McKnight et al. (Hum Mutat. 2022). Collection method: curation. Allele origin: germline. Inheritance: X-linked inheritance.
Comment: This variant has been collected from RettBASE and curated to current modified ACMG/AMP criteria. Based on the classification scheme defined by the ClinGen Rett/Angelman-like Expert Panel for Rett/AS-like Disorders Specifications to the ACMG/AMP Variant Interpretation Guidelines VCEP 3.0, this variant is classified as likely pathogenic. At least the following criteria are met: Predicted to result in loss of function, and LOF is a known mechanism of disease (PVS1). This variant is absent from gnomAD (PM2_Supporting).

RettBASE
Classification: Pathogenic for Epileptic encephalopathy, early infantile, 2. Last evaluated: 2014-03-13. Review status: no assertion criteria provided. Collection method: curation. Allele origin: unknown. Affected: yes. Observed: 1 variant allele. Not counted in ClinVar's aggregate classification.
Comment: Predicted to cause exon 12 skipping

RettBASE
No classification provided. Review status: flagged submission. Collection method: not provided. Allele origin: not provided. Not counted in ClinVar's aggregate classification.
ClinVar note: Reason: This record appears to be redundant with a more recent record from the same submitter.
ClinVar note: Notes: SCV000189220 appears to be redundant with SCV000222366.

Literature cited by the submitters: PubMed 16611748 (cited by RettBASE).